The following is an entry in ClinVar:

ClinVar aggregate classification (germline): Pathogenic. Review status: criteria provided, single submitter (1 of 4 stars). 2 submissions from 2 submitters: Pathogenic (1). 1 of the submissions does not count toward it. Last evaluated 2024-05-08.

Conditions:
Primary hyperoxaluria, type I (HP1). Also called: Primary hyperoxaluria type 1; GLYCOLIC ACIDURIA; HEPATIC AGT DEFICIENCY; OXALOSIS I. Identifiers: Orphanet 416, Orphanet 93598, MedGen C0268164, MONDO:0009823, OMIM 259900. Disease mechanism: loss of function.

Allele frequency attached by ClinVar (database versions not stated): TOPMed below 0.00001.

Submissions (2):

Myriad Genetics, Inc.
Classification: Pathogenic for Primary hyperoxaluria, type I. Last evaluated: 2024-05-08. Review status: criteria provided, single submitter. Criteria: Myriad Autosomal Dominant, Autosomal Recessive and X-Linked Classification Criteria (2023). Collection method: clinical testing. Allele origin: unknown.
Comment: NM_000030.2(AGXT):c.349G>T(E117*) is expected to be pathogenic in the context of primary hyperoxaluria type 1. This variant is predicted to lead to an abnormal or absent protein product due to the creation of a premature termination codon in AGXT, a gene where loss-of-function variants are known to be pathogenic. Please note: this variant was assessed in the context of healthy population screening.

Clinical Biochemistry Laboratory, Health Services Laboratory
Classification: Pathogenic for Primary hyperoxaluria, type I. Last evaluated: 2014-11-27. Review status: no assertion criteria provided. Collection method: research. Allele origin: germline. Affected: yes. Not counted in ClinVar's aggregate classification.

NM_000030.3(AGXT):c.349G>T (p.Glu117Ter)

Gene: AGXT (alanine--glyoxylate aminotransferase; plus strand). Cytogenetic location: 2q37.3.
Variant type: single nucleotide variant.
Coding change: c.349G>T on transcript NM_000030.3 (MANE Select); coding-DNA position 349, G replaced by T.
Protein change: p.Glu117Ter; replaces glutamic acid 117 with a stop codon.
Molecular consequence: nonsense.
Genome position (GRCh38, 1-based): chr2:240,869,353, G>T. VCF-style: chr2-240869353-G-T. GRCh37 (hg19) VCF-style: chr2-241808770-G-T.
Other names: short protein forms E117*.
Identifiers: ClinVar variation 204094 (VCV000204094.3), dbSNP rs180177208, ClinGen allele CA275674.